The following is an entry in ClinVar:

NM_005154.5(USP8):c.335+4C>G

Gene: USP8 (ubiquitin specific peptidase 8; plus strand). Cytogenetic location: 15q21.2.
Variant type: single nucleotide variant.
Coding change: c.335+4C>G on transcript NM_005154.5 (MANE Select); 4 bases into the intron after coding-DNA position 335, C replaced by G.
Molecular consequence: intron variant.
Genome position (GRCh38, 1-based): chr15:50,449,489, C>G. VCF-style: chr15-50449489-C-G. GRCh37 (hg19) VCF-style: chr15-50741686-C-G.
Other names: c.335+4C>G (NM_001128610.3); c.105-9511C>G (NM_001283049.2).
Identifiers: ClinVar variation 1994556 (VCV001994556.4), dbSNP rs373460543, ClinGen allele CA2580089719.

ClinVar aggregate classification (germline): Uncertain significance (1 of 4 stars; one submission).

Conditions:
Hereditary spastic paraplegia. Also called: Familial spastic paraparesis. Identifiers: Orphanet 685, MedGen C0037773, MONDO:0019064. Disease mechanism: loss of function.

Submission:

Labcorp Genetics (formerly Invitae), Labcorp
Classification: Uncertain significance for Hereditary spastic paraplegia. Last evaluated: 2022-05-23. Review status: criteria provided, single submitter. Criteria: Invitae Variant Classification Sherloc (09022015). Collection method: clinical testing. Allele origin: germline.
Comment: This variant is not present in population databases (gnomAD no frequency). In summary, the available evidence is currently insufficient to determine the role of this variant in disease. Therefore, it has been classified as a Variant of Uncertain Significance. Variants that disrupt the consensus splice site are a relatively common cause of aberrant splicing (PMID: 17576681, 9536098). Algorithms developed to predict the effect of sequence changes on RNA splicing suggest that this variant is not likely to affect RNA splicing. This variant has not been reported in the literature in individuals affected with USP8-related conditions. This sequence change falls in intron 4 of the USP8 gene. It does not directly change the encoded amino acid sequence of the USP8 protein. It affects a nucleotide within the consensus splice site.

Literature cited by the submitters: PubMed 17576681; PubMed 9536098.